The following is an entry in ClinVar:

NM_138383.3(MTSS2):c.1191C>T (p.Asp397=)

Gene: MTSS2 (MTSS I-BAR domain containing 2; minus strand). Cytogenetic location: 16q22.1.
Variant type: single nucleotide variant.
Coding change: c.1191C>T on transcript NM_138383.3 (MANE Select); coding-DNA position 1191, C replaced by T.
Protein change: p.Asp397=; no amino-acid change (aspartic acid 397 retained).
Molecular consequence: synonymous variant.
Genome position (GRCh38, 1-based): chr16:70,665,034, G>A on the plus strand (C>T on the coding strand, the complement: MTSS2 is on the minus strand). VCF-style: chr16-70665034-G-A. GRCh37 (hg19) VCF-style: chr16-70698937-G-A.
Identifiers: ClinVar variation 4822282 (VCV004822282.4).
Genomic context (GRCh38, chr16:70,665,034, plus strand): 5'-GGGGCCCAGGGTGCCCCCACTGGCAGGGCCTGGCTCTGTGTCTCGCAGGAGCTCCACTCG[G>A]TCCTTCCTCCGCTGCAGAGTGGCGCCTGAGGGCTGCTCATGGGAGCCGACCTTGGACCAG-3'
Protein context (NP_612392.1, residues 387-407): PSGATLQRRK[Asp397=]RVELLRDTEP

ClinVar aggregate classification (germline): Likely benign (1 of 4 stars; one submission).

gnomAD v4.1: 17 of 1,597,256 alleles (0.0011%); highest among the groups gnomAD compares: East Asian, 0.036%; no homozygotes.

Submission:

CeGaT Center for Human Genetics Tuebingen
Classification: Likely benign. Last evaluated: 2026-02-01. Review status: criteria provided, single submitter. Criteria: CeGaT Center For Human Genetics Tuebingen Variant Classification Criteria Version 2. Collection method: clinical testing. Allele origin: germline. Affected: yes. Observed: 1 variant allele.
Comment: FLJ00418: BP4, BP7; MTSS2: BP4, BP7